The following is an entry in ClinVar:

NC_000023.10:g.(?_64196185)_(64196257_?)del

Gene: ZC4H2 (zinc finger C4H2-type containing; minus strand). Cytogenetic location: Xq11.2.
Variant type: Deletion.
Identifiers: ClinVar variation 2426481 (VCV002426481.4).

ClinVar aggregate classification (germline): Pathogenic (1 of 4 stars; one submission).

Submission:

Labcorp Genetics (formerly Invitae), Labcorp
Classification: Pathogenic. Last evaluated: 2022-09-27. Review status: criteria provided, single submitter. Criteria: Invitae Variant Classification Sherloc (09022015). Collection method: clinical testing. Allele origin: germline.
Comment: For these reasons, this variant has been classified as Pathogenic. A similar copy number variant has been observed in individual(s) with ZC4H2-related conditions (PMID: 31206972). This variant is a gross deletion of the genomic region encompassing exon(s) 1 of the ZC4H2 gene, which includes the initiator codon. This deletion extends beyond the assayed region for this gene and therefore may encompass additional genes. It is expected to result in an absent or disrupted protein product. Loss-of-function variants in ZC4H2 are known to be pathogenic (PMID: 29150902, 31885220).

Literature cited by the submitters: PubMed 31206972; PubMed 29150902; PubMed 31885220.